The following is an entry in ClinVar:

NM_001195279.2(MKRN2OS):c.658G>C (p.Gly220Arg)

Gene: MKRN2OS (MKRN2 opposite strand; minus strand). Cytogenetic location: 3p25.2.
Variant type: single nucleotide variant.
Coding change: c.658G>C on transcript NM_001195279.2 (MANE Select); coding-DNA position 658, G replaced by C.
Protein change: p.Gly220Arg; replaces glycine 220 with arginine.
Molecular consequence: missense variant.
Genome position (GRCh38, 1-based): chr3:12,540,207, C>G on the plus strand (G>C on the coding strand, the complement: MKRN2OS is on the minus strand). VCF-style: chr3-12540207-C-G. GRCh37 (hg19) VCF-style: chr3-12581706-C-G.
Other names: c.301G>C, p.Gly101Arg (NM_001378007.1, NM_001378008.1, NM_001378009.1); c.448G>C, p.Gly150Arg (NM_001378010.1); c.589G>C, p.Gly197Arg (NM_001378011.1); short protein forms G220R, G101R, G150R, G197R.
Identifiers: ClinVar variation 5024495 (VCV005024495.1).

ClinVar aggregate classification (germline): Uncertain significance (1 of 4 stars; one submission).

gnomAD v4.1: 9 of 1,536,144 alleles (0.00059%); highest among the groups gnomAD compares: Middle Eastern, 0.017%; no homozygotes.

Submission:

Ambry Genetics
Classification: Uncertain significance. Last evaluated: 2026-07-29. Review status: criteria provided, single submitter. Criteria: Ambry Variant Classification Scheme 2023. Collection method: clinical testing. Allele origin: germline.
Comment: The c.658G>C (p.G220R) alteration is located in exon 4 (coding exon 4) of the MKRN2OS gene. This alteration results from a G to C substitution at nucleotide position 658, causing the glycine (G) at amino acid position 220 to be replaced by an arginine (R). Based on data from gnomAD, the C allele has an overall frequency of 0.002% (2/134514) total alleles studied. The highest observed frequency was 0.024% (1/4140) of Other alleles. Based on insufficient or conflicting evidence, the clinical significance of this alteration remains unclear.